The following is an entry in ClinVar:

NM_206933.4(USH2A):c.1954A>G (p.Ser652Gly)

Gene: USH2A (usherin; minus strand). Cytogenetic location: 1q41.
Variant type: single nucleotide variant.
Coding change: c.1954A>G on transcript NM_206933.4 (MANE Select); coding-DNA position 1954, A replaced by G.
Protein change: p.Ser652Gly; replaces serine 652 with glycine.
Molecular consequence: missense variant.
Genome position (GRCh38, 1-based): chr1:216,289,297, T>C on the plus strand (A>G on the coding strand, the complement: USH2A is on the minus strand). VCF-style: chr1-216289297-T-C. GRCh37 (hg19) VCF-style: chr1-216462639-T-C.
Other names: c.1954A>G, p.Ser652Gly (NM_007123.6); short protein forms S652G.
Identifiers: ClinVar variation 48480 (VCV000048480.11), dbSNP rs397518005, ClinGen allele CA143429.
Genomic context (GRCh38, chr1:216,289,297, plus strand): 5'-CAGACAGAGTAATCCTTTACCTTAAATACTCAGAAAAACTCACCTGATCACAAAGAATGC[T>C]ACCATTTCTAGTGCCAACTGTATCACAGTCACAGGGTTTGCAAACATCTATGGCCGAAGG-3'
Protein context (NP_996816.3, residues 642-662): DCDTVGTRNG[Ser652Gly]ILCDQIGGQC

ClinVar aggregate classification (germline): Uncertain significance. Review status: criteria provided, multiple submitters, no conflicts (2 of 4 stars). 7 submissions from 6 submitters: Uncertain significance (6). 1 of the submissions does not count toward it. Last evaluated 2024-10-22.

Conditions:
Inborn genetic diseases. Identifiers: MedGen C0950123, MeSH D030342.
Usher syndrome type 2A. Also called: USHER SYNDROME, TYPE IIA; RETINAL DISEASE IN USHER SYNDROME TYPE IIA, MODIFIER OF. Identifiers: Orphanet 231178, Orphanet 886, MedGen C1848634, MONDO:0010169, OMIM 276901.
Retinitis pigmentosa 39 (RP39). Identifiers: Orphanet 791, MedGen C3151138, MONDO:0013436, OMIM 613809.

Allele frequency attached by ClinVar (database versions not stated): ExAC 0.00001; gnomAD 0.00001; gnomAD exomes 0.00001 and 0.00002; TOPMed 0.00002.
gnomAD v4.1: 37 of 1,613,952 alleles (0.0023%); highest among the groups gnomAD compares: Non-Finnish European, 0.0031%; no homozygotes.

Submissions (7):

Blueprint Genetics
Classification: Uncertain significance. Last evaluated: 2024-10-22. Review status: criteria provided, single submitter. Criteria: ACMG Guidelines, 2015. Collection method: clinical testing. Allele origin: germline.

Ambry Genetics
Classification: Uncertain significance for Inborn genetic diseases. Last evaluated: 2024-03-18. Review status: criteria provided, single submitter. Criteria: Ambry Variant Classification Scheme 2023. Collection method: clinical testing. Allele origin: germline.

Genome-Nilou Lab
Classification: Uncertain significance for Retinitis pigmentosa 39. Last evaluated: 2023-11-04. Review status: criteria provided, single submitter. Criteria: ACMG Guidelines, 2015. Collection method: clinical testing. Allele origin: germline. Affected: no.

Genome-Nilou Lab
Classification: Uncertain significance for Usher syndrome type 2A. Last evaluated: 2023-11-04. Review status: criteria provided, single submitter. Criteria: ACMG Guidelines, 2015. Collection method: clinical testing. Allele origin: germline. Affected: no.

Labcorp Genetics (formerly Invitae), Labcorp
Classification: Uncertain significance. Last evaluated: 2022-05-13. Review status: criteria provided, single submitter. Criteria: Invitae Variant Classification Sherloc (09022015). Collection method: clinical testing. Allele origin: germline.
Comment: This sequence change replaces serine, which is neutral and polar, with glycine, which is neutral and non-polar, at codon 652 of the USH2A protein (p.Ser652Gly). This variant is present in population databases (rs397518005, gnomAD 0.002%). This variant has not been reported in the literature in individuals affected with USH2A-related conditions. ClinVar contains an entry for this variant (Variation ID: 48480). Algorithms developed to predict the effect of missense changes on protein structure and function output the following: SIFT: "Tolerated"; PolyPhen-2: "Benign"; Align-GVGD: "Class C0". The glycine amino acid residue is found in multiple mammalian species, which suggests that this missense change does not adversely affect protein function. In summary, the available evidence is currently insufficient to determine the role of this variant in disease. Therefore, it has been classified as a Variant of Uncertain Significance.

Laboratory for Molecular Medicine, Mass General Brigham Personalized Medicine
Classification: Uncertain significance. Last evaluated: 2012-05-23. Review status: criteria provided, single submitter. Criteria: LMM Criteria. Collection method: clinical testing. Allele origin: germline. Observed: 1 variant allele.
Comment: Variant classified as Uncertain Significance - Favor Benign. The Ser652Gly varia nt in USH2A has not been reported in the literature nor previously identified by our laboratory. Computational analyses (biochemical amino acid properties, cons ervation, AlignGVGD, PolyPhen2, and SIFT) suggest that the Ser652Gly variant is not likely to impact the protein, primarily based upon a lack of conservation of the Ser652 amino acid position in other mammals; however, this information is n ot predictive enough to rule out pathogenicity. In summary, the clinical signifi cance of this variant cannot be determined with certainty; however, we would lea n towards a more likely benign role.

Natera, Inc.
Classification: Uncertain significance for Usher syndrome type 2A. Last evaluated: 2021-05-26. Review status: no assertion criteria provided. Collection method: clinical testing. Allele origin: germline. Not counted in ClinVar's aggregate classification.